The following is an entry in ClinVar:

ClinVar aggregate classification (germline): Likely benign. Review status: criteria provided, multiple submitters, no conflicts (2 of 4 stars). 2 submissions from 2 submitters: Likely benign (2). Last evaluated 2026-07-01.

Conditions:
Glycogen storage disease, type II (IOPD). Also called: CARDIOMEGALIA GLYCOGENICA DIFFUSA; GLYCOGENOSIS, GENERALIZED, CARDIAC FORM; GSD II; Glycogen storage disease type 2; Acid maltase deficiency disease; Aglucosidase alfa. Identifiers: Orphanet 365, MedGen C0017921, MONDO:0009290, OMIM 232300.

Submissions (2):

Genomenon, Inc
Classification: Likely benign for Glycogen storage disease, type II. Last evaluated: 2026-07-01. Review status: criteria provided, single submitter. Criteria: Genomenon Sequence Variant Interpretation Standards - Updated. Collection method: curation. Allele origin: germline. Affected: no.
Comment: GAA p.Ter953= (c.2859G>A) is a synonymous variant that retains the stop codon at residue 953. This variant has been reported in the published literature (PMID:31076647;34922579). It is absent or not present at a significant frequency in gnomAD. This variant is not predicted to impact splicing. In conclusion, we classify GAA p.Ter953= (c.2859G>A) as a likely benign variant.

Labcorp Genetics (formerly Invitae), Labcorp
Classification: Likely benign for Glycogen storage disease, type II. Last evaluated: 2023-09-29. Review status: criteria provided, single submitter. Criteria: Invitae Variant Classification Sherloc (09022015). Collection method: clinical testing. Allele origin: germline.

Literature cited by the submitters: PubMed 31076647 (cited by Genomenon, Inc); PubMed 34922579 (cited by Genomenon, Inc).

NM_000152.5(GAA):c.2859G>A (p.Ter953=)

Gene: GAA (alpha glucosidase; plus strand). Cytogenetic location: 17q25.3.
Variant type: single nucleotide variant.
Coding change: c.2859G>A on transcript NM_000152.5 (MANE Select); coding-DNA position 2859, G replaced by A.
Protein change: p.Ter953=.
Molecular consequence: synonymous variant.
Genome position (GRCh38, 1-based): chr17:80,119,331, G>A. VCF-style: chr17-80119331-G-A. GRCh37 (hg19) VCF-style: chr17-78093130-G-A.
Other names: c.2859G>A, p.Ter953= (NM_001079803.3, NM_001079804.3, NM_001406741.1 and 1 more transcripts).
Identifiers: ClinVar variation 2764188 (VCV002764188.4), dbSNP rs1334316018, ClinGen allele CA502170067.
Genomic context (GRCh38, chr17:80,119,331, plus strand): 5'-GGTCCTGGACATCTGTGTCTCGCTGTTGATGGGAGAGCAGTTTCTCGTCAGCTGGTGTTA[G>A]CCGGGCGGAGTGTGTTAGTCTCTCCAGAGGGAGGCTGGTTCCCCAGGGAAGCAGAGCCTG-3'